The following is an entry in ClinVar:

NM_006005.3(WFS1):c.1611_1624del (p.Cys537_Glu542delinsTer)

Gene: WFS1 (wolframin ER transmembrane glycoprotein; plus strand). Cytogenetic location: 4p16.1.
Variant type: Deletion.
Coding change: c.1611_1624del on transcript NM_006005.3 (MANE Select); coding-DNA positions 1611 to 1624, 14 bases deleted (CTTCATGTGGTGTG).
Protein change: p.Cys537_Glu542delinsTer.
Molecular consequence: nonsense.
Genome position (GRCh38, 1-based): chr4:6,301,406-6,301,419, CTTCATGTGGTGTG deleted; deleting any 14 consecutive bases within chr4:6,301,399-6,301,419 gives the same sequence; the c. name uses the placement nearest the transcript's 3' end. VCF-style (leftmost placement, unchanged base first): chr4-6301398-CTGGTGTGCTTCATG-C. GRCh37 (hg19) VCF-style: chr4-6303125-CTGGTGTGCTTCATG-C.
Other names: c.1611_1624del, p.Cys537_Glu542delinsTer (NM_001145853.1).
Identifiers: ClinVar variation 1458815 (VCV001458815.8), dbSNP rs1560419631, ClinGen allele CA917120719.

ClinVar aggregate classification (germline): Pathogenic/Likely pathogenic. Review status: criteria provided, multiple submitters, no conflicts (2 of 4 stars). 4 submissions from 4 submitters: Pathogenic (1); Likely pathogenic (3). Last evaluated 2025-05-04.

Conditions:
Wolfram syndrome 1 (WFS1). Identifiers: Orphanet 3463, MedGen C4551693, MONDO:0009101, OMIM 222300.
Cataract 41 (CTRCT41). Also called: CATARACT 41, CONGENITAL NUCLEAR TYPE. Identifiers: Orphanet 91492, Orphanet 98991, Orphanet 98992, Orphanet 98995, MedGen C3805412, MONDO:0007287, OMIM 116400.
Wolfram-like syndrome. Also called: HEARING LOSS, PROGRESSIVE, WITH OPTIC ATROPHY AND/OR IMPAIRED GLUCOSE REGULATION. Identifiers: Orphanet 411590, MedGen C3280358, MONDO:0013673, OMIM 614296.
Autosomal dominant nonsyndromic hearing loss 6 (LFSNHL). Also called: Autosomal dominant nonsyndromic deafness 6; DEAFNESS, AUTOSOMAL DOMINANT 6; DEAFNESS, AUTOSOMAL DOMINANT 14; DEAFNESS, AUTOSOMAL DOMINANT 38. Identifiers: Orphanet 90635, MedGen C1833021, MONDO:0010963, OMIM 600965.
Type 2 diabetes mellitus. Also called: Type II diabetes mellitus. Identifiers: MedGen C0011860, MeSH D003924, MONDO:0005148, OMIM 125853, HP:0005978.
WFS1-related disorder. Identifiers: MedGen CN379391, MONDO:0700293.

Submissions (4):

Variantyx, Inc.
Classification: Likely pathogenic for Wolfram syndrome 1. Last evaluated: 2025-05-04. Review status: criteria provided, single submitter. Criteria: Variantyx Assertion Criteria 2022. Collection method: clinical testing. Allele origin: germline. Inheritance: Autosomal recessive inheritance. Affected: no.
Comment: This is a frameshift variant in the WFS1 gene (OMIM: 606201). Pathogenic variants in this gene have been associated with autosomal recessive Wolfram syndrome 1. This variant introduces a premature termination codon in exon 8 out of 8 and is expected to result in loss of function, which is a known disease mechanism for WFS1 in this disorder (PMID: 20301750) (PVS1). This variant has been reported in the compound heterozygous state in 1 affected individual (PMID: 10521293), and it has a 0.0006% maximum allele frequency in non-founder control populations (PM2). Based on the current evidence, this variant is classified as likely pathogenic for autosomal recessive Wolfram syndrome 1.

Labcorp Genetics (formerly Invitae), Labcorp
Classification: Pathogenic. Last evaluated: 2024-02-24. Review status: criteria provided, single submitter. Criteria: Invitae Variant Classification Sherloc (09022015). Collection method: clinical testing. Allele origin: germline.
Comment: This sequence change creates a premature translational stop signal (p.Cys537*) in the WFS1 gene. While this is not anticipated to result in nonsense mediated decay, it is expected to disrupt the last 354 amino acid(s) of the WFS1 protein. This variant is not present in population databases (gnomAD no frequency). This premature translational stop signal has been observed in individual(s) with clinical features of autosomal recessive Wolfram syndrome (PMID: 10521293). ClinVar contains an entry for this variant (Variation ID: 1458815). This variant disrupts a region of the WFS1 protein in which other variant(s) (p.Pro885Leu) have been determined to be pathogenic (PMID: 10521293, 16806192, 28432734). This suggests that this is a clinically significant region of the protein, and that variants that disrupt it are likely to be disease-causing. For these reasons, this variant has been classified as Pathogenic.

Fulgent Genetics
Classification: Likely pathogenic for Cataract 41; Type 2 diabetes mellitus; Wolfram syndrome 1; Autosomal dominant nonsyndromic hearing loss 6; Wolfram-like syndrome. Last evaluated: 2021-09-22. Review status: criteria provided, single submitter. Criteria: ACMG Guidelines, 2015. Collection method: clinical testing. Allele origin: unknown.

Blueprint Genetics
Classification: Likely pathogenic for WFS1-related disorders. Last evaluated: 2019-01-15. Review status: criteria provided, single submitter. Criteria: ACMG Guidelines, 2015. Collection method: clinical testing. Allele origin: germline. Affected: yes. Observed: 1 variant allele.

Literature cited by the submitters: PubMed 20301750 (cited by Variantyx, Inc.); PubMed 10521293 (cited by Labcorp Genetics (formerly Invitae), Labcorp); PubMed 16806192 (cited by Labcorp Genetics (formerly Invitae), Labcorp); PubMed 28432734 (cited by Labcorp Genetics (formerly Invitae), Labcorp).